The following is an entry in ClinVar:

NM_032608.7(MYO18B):c.7120A>G (p.Met2374Val)

Gene: MYO18B (myosin XVIIIB; plus strand). Cytogenetic location: 22q12.1.
Variant type: single nucleotide variant.
Coding change: c.7120A>G on transcript NM_032608.7 (MANE Select); coding-DNA position 7120, A replaced by G.
Protein change: p.Met2374Val; replaces methionine 2374 with valine.
Molecular consequence: missense variant.
Genome position (GRCh38, 1-based): chr22:26,027,094, A>G. VCF-style: chr22-26027094-A-G. GRCh37 (hg19) VCF-style: chr22-26423060-A-G.
Other names: c.7123A>G, p.Met2375Val (NM_001318245.2); c.7120A>G (NM_032608.5); short protein forms M2375V, M2374V.
Identifiers: ClinVar variation 2909374 (VCV002909374.3), dbSNP rs371289967, ClinGen allele CA10161696.

ClinVar aggregate classification (germline): Uncertain significance. Review status: criteria provided, multiple submitters, no conflicts (2 of 4 stars). 2 submissions from 2 submitters: Uncertain significance (2). Last evaluated 2023-12-16.

Conditions:
Inborn genetic diseases. Identifiers: MedGen C0950123, MeSH D030342.

Allele frequency attached by ClinVar (database versions not stated): ExAC 0.00001; gnomAD 0.00001; gnomAD exomes 0.00001; TOPMed 0.00006; ESP Exome Variant Server 0.00008.
gnomAD v4.1: 9 of 1,613,912 alleles (0.00056%); highest among the groups gnomAD compares: Admixed American, 0.0017%; no homozygotes.

Submissions (2):

Ambry Genetics
Classification: Uncertain significance for Inborn genetic diseases. Last evaluated: 2023-12-16. Review status: criteria provided, single submitter. Criteria: Ambry Variant Classification Scheme 2023. Collection method: clinical testing. Allele origin: germline.

Labcorp Genetics (formerly Invitae), Labcorp
Classification: Uncertain significance. Last evaluated: 2023-09-12. Review status: criteria provided, single submitter. Criteria: Invitae Variant Classification Sherloc (09022015). Collection method: clinical testing. Allele origin: germline.
Comment: This sequence change replaces methionine, which is neutral and non-polar, with valine, which is neutral and non-polar, at codon 2374 of the MYO18B protein (p.Met2374Val). This variant is present in population databases (rs371289967, gnomAD 0.003%). This variant has not been reported in the literature in individuals affected with MYO18B-related conditions. Algorithms developed to predict the effect of missense changes on protein structure and function output the following: SIFT: "Not Available"; PolyPhen-2: "Benign"; Align-GVGD: "Not Available". The valine amino acid residue is found in multiple mammalian species, which suggests that this missense change does not adversely affect protein function. In summary, the available evidence is currently insufficient to determine the role of this variant in disease. Therefore, it has been classified as a Variant of Uncertain Significance.